The following is an entry in ClinVar:

ClinVar aggregate classification (germline): Likely benign. Review status: criteria provided, single submitter (1 of 4 stars). 2 submissions from 2 submitters: Likely benign (1). 1 of the submissions does not count toward it. Last evaluated 2022-08-09.

Conditions:
SCAPER-related disorder. Also called: SCAPER-related condition.

gnomAD v4.1: 16 of 1,602,960 alleles (0.001%); highest among the groups gnomAD compares: Admixed American, 0.027%; no homozygotes.

Submissions (2):

Blueprint Genetics
Classification: Likely benign. Last evaluated: 2022-08-09. Review status: criteria provided, single submitter. Criteria: ACMG Guidelines, 2015. Collection method: clinical testing. Allele origin: germline.

PreventionGenetics, part of Exact Sciences
Classification: Likely benign for SCAPER-related condition. Last evaluated: 2024-08-29. Review status: no assertion criteria provided. Collection method: clinical testing. Allele origin: germline. Not counted in ClinVar's aggregate classification.
Comment: This variant is classified as likely benign based on ACMG/AMP sequence variant interpretation guidelines (Richards et al. 2015 PMID: 25741868, with internal and published modifications).

NM_020843.4(SCAPER):c.772+7G>T

Gene: SCAPER (S-phase cyclin A associated protein in the ER; minus strand). Cytogenetic location: 15q24.3.
Variant type: single nucleotide variant.
Coding change: c.772+7G>T on transcript NM_020843.4 (MANE Select); 7 bases into the intron after coding-DNA position 772, G replaced by T.
Molecular consequence: intron variant. On other transcripts: non-coding transcript variant (1).
Genome position (GRCh38, 1-based): chr15:76,795,273, C>A on the plus strand (G>T on the coding strand, the complement: SCAPER is on the minus strand). VCF-style: chr15-76795273-C-A. GRCh37 (hg19) VCF-style: chr15-77087614-C-A.
Other names: c.370+7G>T (NM_001353011.2, NM_001353012.2, NM_001353010.2); c.772+7G>T (NM_001353009.2); c.-126+7G>T (NM_001145923.2).
Identifiers: ClinVar variation 3358463 (VCV003358463.2).